The following is an entry in ClinVar:

NM_001085487.3(MYSM1):c.2062A>G (p.Ile688Val)

Gene: MYSM1 (Myb like, SWIRM and MPN domains 1; minus strand). Cytogenetic location: 1p32.1.
Variant type: single nucleotide variant.
Coding change: c.2062A>G on transcript NM_001085487.3 (MANE Select); coding-DNA position 2062, A replaced by G.
Protein change: p.Ile688Val; replaces isoleucine 688 with valine.
Molecular consequence: missense variant.
Genome position (GRCh38, 1-based): chr1:58,665,601, T>C on the plus strand (A>G on the coding strand, the complement: MYSM1 is on the minus strand). VCF-style: chr1-58665601-T-C. GRCh37 (hg19) VCF-style: chr1-59131273-T-C.
Other names: short protein forms I688V.
Identifiers: ClinVar variation 2121181 (VCV002121181.4), dbSNP rs2524162732, ClinGen allele CA340518726.

ClinVar aggregate classification (germline): Uncertain significance (1 of 4 stars; one submission).

Submission:

Labcorp Genetics (formerly Invitae), Labcorp
Classification: Uncertain significance. Last evaluated: 2022-04-03. Review status: criteria provided, single submitter. Criteria: Invitae Variant Classification Sherloc (09022015). Collection method: clinical testing. Allele origin: germline.
Comment: In summary, the available evidence is currently insufficient to determine the role of this variant in disease. Therefore, it has been classified as a Variant of Uncertain Significance. Algorithms developed to predict the effect of missense changes on protein structure and function (SIFT, PolyPhen-2, Align-GVGD) all suggest that this variant is likely to be tolerated. This variant has not been reported in the literature in individuals affected with MYSM1-related conditions. This variant is not present in population databases (gnomAD no frequency). This sequence change replaces isoleucine, which is neutral and non-polar, with valine, which is neutral and non-polar, at codon 688 of the MYSM1 protein (p.Ile688Val).